The following is an entry in ClinVar:

ClinVar aggregate classification (germline): Pathogenic (1 of 4 stars; one submission).

Conditions:
Hereditary breast ovarian cancer syndrome. Also called: Hereditary breast and ovarian cancer syndrome; Hereditary breast and/or ovarian cancer syndrome; Hereditary breast and ovarian cancer; Breast and ovarian cancer; Hereditary breast and ovarian cancer syndrome (HBOC); BRCA1- and BRCA2-Associated Hereditary Breast and Ovarian Cancer. Identifiers: Orphanet 145, MedGen C0677776, MeSH D061325, MONDO:0003582. Disease mechanism: loss of function.

Submission:

Labcorp Genetics (formerly Invitae), Labcorp
Classification: Pathogenic for Hereditary breast ovarian cancer syndrome. Last evaluated: 2024-07-21. Review status: criteria provided, single submitter. Criteria: Invitae Variant Classification Sherloc (09022015). Collection method: clinical testing. Allele origin: germline.
Comment: This sequence change creates a premature translational stop signal (p.Glu2558Serfs*90) in the BRCA2 gene. It is expected to result in an absent or disrupted protein product. Loss-of-function variants in BRCA2 are known to be pathogenic (PMID: 20104584). This variant is not present in population databases (gnomAD no frequency). This variant has not been reported in the literature in individuals affected with BRCA2-related conditions. For these reasons, this variant has been classified as Pathogenic.

Literature cited by the submitters: PubMed 20104584.

NM_000059.4(BRCA2):c.7672del (p.Glu2558fs)

Gene: BRCA2 (BRCA2 DNA repair associated; plus strand). Cytogenetic location: 13q13.1.
Variant type: Deletion.
Coding change: c.7672del on transcript NM_000059.4 (MANE Select); coding-DNA position 7672, one base deleted (G; older notation c.7672delG).
Protein change: p.Glu2558fs; shifts the reading frame from glutamic acid 2558.
Molecular consequence: frameshift variant. On other transcripts: non-coding transcript variant (1).
Genome position (GRCh38, 1-based): chr13:32,357,796, G deleted. VCF-style (leftmost placement, unchanged base first): chr13-32357795-AG-A. GRCh37 (hg19) VCF-style: chr13-32931932-AG-A.
Other names: c.7576del, p.Glu2526fs (NM_001406719.1); c.7672del, p.Glu2558fs (NM_001406720.1, NM_001432077.1); c.2740del, p.Glu914fs (NM_001406721.1); c.1255del, p.Glu419fs (NM_001406722.1); short protein forms E2558fs, E419fs, E914fs, E2526fs.
Identifiers: ClinVar variation 3660040 (VCV003660040.2).